The following is an entry in ClinVar:

NM_005219.5(DIAPH1):c.3818A>T (p.Ter1273Leu)

Gene: DIAPH1 (diaphanous related formin 1; minus strand). Cytogenetic location: 5q31.3.
Variant type: single nucleotide variant.
Coding change: c.3818A>T on transcript NM_005219.5 (MANE Select); coding-DNA position 3818, A replaced by T.
Protein change: p.Ter1273Leu.
Molecular consequence: stop lost. On other transcripts: 3 prime UTR variant (1).
Genome position (GRCh38, 1-based): chr5:141,516,852, T>A on the plus strand (A>T on the coding strand, the complement: DIAPH1 is on the minus strand). VCF-style: chr5-141516852-T-A. GRCh37 (hg19) VCF-style: chr5-140896419-T-A.
Other names: c.3791A>T, p.Ter1264Leu (NM_001079812.3); c.*118A>T (NM_001314007.2).
Identifiers: ClinVar variation 1466418 (VCV001466418.9), dbSNP rs753432442, ClinGen allele CA3478656.

ClinVar aggregate classification (germline): Uncertain significance. Review status: criteria provided, multiple submitters, no conflicts (2 of 4 stars). 2 submissions from 2 submitters: Uncertain significance (2). Last evaluated 2025-08-05.

Conditions:
Autosomal dominant nonsyndromic hearing loss 1. Also called: DEAFNESS, AUTOSOMAL DOMINANT 1, WITH OR WITHOUT THROMBOCYTOPENIA; KONIGSMARK SYNDROME. Identifiers: Orphanet 90635, MedGen C1852282, MONDO:0007424, OMIM 124900.
Progressive microcephaly-seizures-cortical blindness-developmental delay syndrome. Also called: Seizures, cortical blindness, and microcephaly syndrome. Identifiers: Orphanet 477814, MedGen C5567650, MONDO:0014714, OMIM 616632.

Allele frequency attached by ClinVar (database versions not stated): gnomAD exomes below 0.00001 and 0.00001; TOPMed below 0.00001; ExAC 0.00001.
gnomAD v4.1: 12 of 1,614,076 alleles (0.00074%); highest among the groups gnomAD compares: Non-Finnish European, 0.001%; no homozygotes.

Submissions (2):

Labcorp Genetics (formerly Invitae), Labcorp
Classification: Uncertain significance for Progressive microcephaly-seizures-cortical blindness-developmental delay syndrome; Autosomal dominant nonsyndromic hearing loss 1. Last evaluated: 2025-08-05. Review status: criteria provided, single submitter. Criteria: Invitae Variant Classification Sherloc (09022015). Collection method: clinical testing. Allele origin: germline.
Comment: This sequence change disrupts the translational stop signal of the DIAPH1 mRNA. It is expected to extend the length of the DIAPH1 protein by 39 additional amino acid residues. This variant is present in population databases (rs753432442, gnomAD 0.0009%). This variant has not been reported in the literature in individuals affected with DIAPH1-related conditions. ClinVar contains an entry for this variant (Variation ID: 1466418). In summary, the available evidence is currently insufficient to determine the role of this variant in disease. Therefore, it has been classified as a Variant of Uncertain Significance.

Blueprint Genetics
Classification: Uncertain significance. Last evaluated: 2022-09-13. Review status: criteria provided, single submitter. Criteria: ACMG Guidelines, 2015. Collection method: clinical testing. Allele origin: germline.